The following is an entry in ClinVar:

ClinVar aggregate classification (germline): Uncertain significance (1 of 4 stars; one submission).

Submission:

GeneDx
Classification: Uncertain significance. Last evaluated: 2026-01-22. Review status: criteria provided, single submitter. Criteria: GeneDx Variant Classification Process June 2021. Collection method: clinical testing. Allele origin: germline.
Comment: Has not been previously published as pathogenic or benign to our knowledge; No data available from control populations to assess the frequency of this variant; In silico analysis does not support a benign or deleterious effect of this variant on protein structure/function

NM_001287491.2(TET3):c.94G>A (p.Gly32Arg)

Gene: TET3 (tet methylcytosine dioxygenase 3; plus strand). Cytogenetic location: 2p13.1.
Variant type: single nucleotide variant.
Coding change: c.94G>A on transcript NM_001287491.2 (MANE Select); coding-DNA position 94, G replaced by A.
Protein change: p.Gly32Arg; replaces glycine 32 with arginine.
Molecular consequence: missense variant.
Genome position (GRCh38, 1-based): chr2:73,986,497, G>A. VCF-style: chr2-73986497-G-A. GRCh37 (hg19) VCF-style: chr2-74213624-G-A.
Other names: short protein forms G32R.
Identifiers: ClinVar variation 4975492 (VCV004975492.1).